The following is an entry in ClinVar:

NM_001375567.1(FOCAD):c.1663-4G>T

Gene: FOCAD (focadhesin; plus strand). Cytogenetic location: 9p21.3.
Variant type: single nucleotide variant.
Coding change: c.1663-4G>T on transcript NM_001375567.1 (MANE Select); 4 bases into the intron before coding-DNA position 1663, G replaced by T.
Molecular consequence: intron variant.
Genome position (GRCh38, 1-based): chr9:20,820,937, G>T. VCF-style: chr9-20820937-G-T. GRCh37 (hg19) VCF-style: chr9-20820936-G-T.
Other names: c.1663-4G>T (NM_017794.5); c.1558-4G>T (NM_001375568.1, NM_001375570.1).
Identifiers: ClinVar variation 710799 (VCV000710799.33), dbSNP rs143047027, ClinGen allele CA5006818.

ClinVar aggregate classification (germline): Benign/Likely benign. Review status: criteria provided, multiple submitters, no conflicts (2 of 4 stars). 5 submissions from 5 submitters: Benign (2); Likely benign (2). 1 of the submissions does not count toward it. Last evaluated 2026-01-11.

Conditions:
FOCAD-related disorder. Also called: FOCAD-related condition.

Allele frequency attached by ClinVar (database versions not stated): 1000 Genomes Project 30x 0.00125; 1000 Genomes Project 0.00160; TOPMed 0.00169; ESP Exome Variant Server 0.00246.
gnomAD v4.1: 3,972 of 1,608,368 alleles (0.25%); highest among the groups gnomAD compares: Middle Eastern, 0.5%; 7 homozygotes.

Submissions (5):

Labcorp Genetics (formerly Invitae), Labcorp
Classification: Benign. Last evaluated: 2026-01-11. Review status: criteria provided, single submitter. Criteria: Invitae Variant Classification Sherloc (09022015). Collection method: clinical testing. Allele origin: germline.

CeGaT Center for Human Genetics Tuebingen
Classification: Likely benign. Last evaluated: 2025-04-01. Review status: criteria provided, single submitter. Criteria: CeGaT Center For Human Genetics Tuebingen Variant Classification Criteria Version 2. Collection method: clinical testing. Allele origin: germline. Affected: yes. Observed: 3 variant alleles.
Comment: FOCAD: BP4

Blueprint Genetics
Classification: Likely benign. Last evaluated: 2024-11-25. Review status: criteria provided, single submitter. Criteria: ACMG Guidelines, 2015. Collection method: clinical testing. Allele origin: germline.

Breakthrough Genomics
Classification: Benign. Review status: criteria provided, single submitter. Criteria: ACMG Guidelines, 2015. Collection method: not provided. Allele origin: germline. Inheritance: Autosomal recessive inheritance. Affected: yes.

PreventionGenetics, part of Exact Sciences
Classification: Likely benign for FOCAD-related condition. Last evaluated: 2019-02-20. Review status: no assertion criteria provided. Collection method: clinical testing. Allele origin: germline. Not counted in ClinVar's aggregate classification.
Comment: This variant is classified as likely benign based on ACMG/AMP sequence variant interpretation guidelines (Richards et al. 2015 PMID: 25741868, with internal and published modifications).